The following is an entry in ClinVar:

ClinVar aggregate classification (germline): Uncertain significance (1 of 4 stars; one submission).

Conditions:
Nizon-Isidor syndrome. Identifiers: MedGen C5394350, MONDO:0030030, OMIM 618872.

Allele frequency attached by ClinVar (database versions not stated): ExAC 0.00002.

Submission:

New York Genome Center
Classification: Uncertain significance for Nizon-Isidor syndrome. Last evaluated: 2021-07-29. Review status: criteria provided, single submitter. Criteria: NYGC Assertion Criteria 2020. Collection method: clinical testing. Allele origin: germline. Observed: 1 heterozygote. Study: CSER-NYCKidSeq.
Comment: The c.1997G>A, p.Cys666Tyr variant identified in the MED12L gene has not been reported in the literature in individuals with MED12L-related conditions. This variant is absent in gnomAD v3.1.1, suggesting it is not a common benign variant in the populations represented in this database. In silico algorithms predict a conflicting interpretation of pathogenicity. The variant resides at the Eukaryotic Mediator 12 subunit domain, and the function of this region of the Mediator subunit Med12 is unknown. Given the lack of compelling evidence for its pathogenicity, the c c.1997G>A, p.Cys666Tyr variant identified in the MED12L gene is reported as a Variant of Uncertain Significance.

NM_001393769.1(MED12L):c.2102G>A (p.Cys701Tyr)

Gene: MED12L (mediator complex subunit 12L; plus strand). Cytogenetic location: 3q25.1.
Variant type: single nucleotide variant.
Coding change: c.2102G>A on transcript NM_001393769.1 (MANE Select); coding-DNA position 2102, G replaced by A.
Protein change: p.Cys701Tyr; replaces cysteine 701 with tyrosine.
Molecular consequence: missense variant.
Genome position (GRCh38, 1-based): chr3:151,193,518, G>A. VCF-style: chr3-151193518-G-A. GRCh37 (hg19) VCF-style: chr3-150911305-G-A.
Other names: c.1997G>A, p.Cys666Tyr (NM_053002.6); short protein forms C666Y, C701Y.
Identifiers: ClinVar variation 1696624 (VCV001696624.1), dbSNP rs777877551, ClinGen allele CA2666849.